The following is an entry in ClinVar:

NM_000179.3(MSH6):c.2971C>G (p.Pro991Ala)

Gene: MSH6 (mutS homolog 6; plus strand). Cytogenetic location: 2p16.3.
Variant type: single nucleotide variant.
Coding change: c.2971C>G on transcript NM_000179.3 (MANE Select); coding-DNA position 2971, C replaced by G.
Protein change: p.Pro991Ala; replaces proline 991 with alanine.
Molecular consequence: missense variant.
Genome position (GRCh38, 1-based): chr2:47,800,954, C>G. VCF-style: chr2-47800954-C-G. GRCh37 (hg19) VCF-style: chr2-48028093-C-G.
Other names: c.2581C>G, p.Pro861Ala (NM_001281492.2); c.2065C>G, p.Pro689Ala (NM_001281493.2, NM_001281494.2); short protein forms P991A, P689A, P861A.
Identifiers: ClinVar variation 187717 (VCV000187717.6), dbSNP rs764249869, ClinGen allele CA011230.

ClinVar aggregate classification (germline): Uncertain significance. Review status: criteria provided, multiple submitters, no conflicts (2 of 4 stars). 2 submissions from 2 submitters: Uncertain significance (2). Last evaluated 2024-09-23.

Conditions:
Lynch syndrome. Identifiers: Orphanet 144, MedGen C4552100, MONDO:0005835. Disease mechanism: loss of function.
Hereditary cancer-predisposing syndrome. Also called: Neoplastic Syndromes, Hereditary; Tumor predisposition; Hereditary Cancer Syndrome; Hereditary neoplastic syndrome. Identifiers: Orphanet 140162, MedGen C0027672, MeSH D009386, MONDO:0015356.

Allele frequency attached by ClinVar (database versions not stated): gnomAD exomes below 0.00001; ExAC 0.00001.
gnomAD v4.1: 4 of 1,568,140 alleles (0.00026%); highest among the groups gnomAD compares: Non-Finnish European, 0.00017%; no homozygotes.

Submissions (2):

All of Us Research Program, National Institutes of Health
Classification: Uncertain significance for Lynch syndrome. Last evaluated: 2024-09-23. Review status: criteria provided, single submitter. Criteria: ACMG Guidelines, 2015. Collection method: clinical testing. Allele origin: germline. Inheritance: Autosomal dominant inheritance. Observed: 1 variant allele, 1 heterozygote.
Comment: This study involves interpretation of variants in research participants for the purpose of population health screening. Participant phenotype was not available at the time of variant classification. Additional details can be found in publication PMID: 35346344, PMCID: PMC8962531

Ambry Genetics
Classification: Uncertain significance for Hereditary cancer-predisposing syndrome. Last evaluated: 2014-12-24. Review status: criteria provided, single submitter. Criteria: Ambry Variant Classification Scheme 2023. Collection method: clinical testing. Allele origin: germline.
Comment: The p.P991A variant (also known as c.2971C>G), located in coding exon 4 of the MSH6 gene, results from a C to G substitution at nucleotide position 2971. The proline at codon 991 is replaced by alanine, an amino acid with highly similar properties. This variant was not reported in population based cohorts in the following databases: Database of Single Nucleotide Polymorphisms (dbSNP), NHLBI Exome Sequencing Project (ESP), and 1000 Genomes Project. In the ESP, this variant was not observed in 6503 samples (13006 alleles) with coverage at this position. This amino acid position is highly conserved in available vertebrate species. To date, this alteration has been detected with an allele frequency of approximately 0.002% (greater than 42000 alleles tested) in our clinical cohort. This alteration is predicted to be possibly damaging but tolerated by PolyPhen and SIFT in silico analyses, respectively. In addition, the CoDP in silico tool predicts this alteration to have minor impact on molecular function, with a score of 0.106 (Terui H et al. J. Biomed. Sci. 2013;20:25). Since supporting evidence is limited at this time, the clinical significance of p.P991A remains unclear.